The following is an entry in ClinVar:

ClinVar aggregate classification (germline): Pathogenic (1 of 4 stars; one submission).

Submission:

GeneDx
Classification: Pathogenic. Last evaluated: 2025-08-06. Review status: criteria provided, single submitter. Criteria: GeneDx Variant Classification Process June 2021. Collection method: clinical testing. Allele origin: germline. Affected: yes.
Comment: Frameshift variant predicted to result in protein truncation or nonsense mediated decay in a gene for which loss of function is a known mechanism of disease; Not observed at significant frequency in large population cohorts (gnomAD); Has not been previously published as pathogenic or benign to our knowledge

NM_001365902.3(NFIX):c.303del (p.Cys102fs)

Gene: NFIX (nuclear factor I X; plus strand). Cytogenetic location: 19p13.13.
Variant type: Deletion.
Coding change: c.303del on transcript NM_001365902.3 (MANE Select); coding-DNA position 303, one base deleted (C; older notation c.303delC).
Protein change: p.Cys102fs; shifts the reading frame from cysteine 102.
Molecular consequence: frameshift variant.
Genome position (GRCh38, 1-based): chr19:13,025,296, C deleted; the last of 6 consecutive C bases (chr19:13,025,291-13,025,296); deleting any one gives the same sequence. VCF-style (leftmost placement, unchanged base first): chr19-13025290-GC-G. GRCh37 (hg19) VCF-style: chr19-13136104-GC-G.
Other names: c.327delC (NM_001271043.2); c.327del, p.Cys110fs (NM_001271043.2); c.279del, p.Cys94fs (NM_001271044.3, NM_001378404.1); c.303del, p.Cys102fs (NM_001365982.2, NM_002501.4); c.162del, p.Cys55fs (NM_001365983.2); c.300del, p.Cys101fs (NM_001365984.2, NM_001365985.2); c.351del, p.Cys118fs (NM_001378405.1); short protein forms C94fs, C102fs, C55fs, C101fs, C110fs, C118fs.
Identifiers: ClinVar variation 279989 (VCV000279989.4), dbSNP rs886041304, ClinGen allele CA10603507.